The following is an entry in ClinVar:

NM_015311.3(OBSL1):c.3044G>A (p.Arg1015Gln)

Gene: OBSL1 (obscurin like cytoskeletal adaptor 1; minus strand). Cytogenetic location: 2q35.
Variant type: single nucleotide variant.
Coding change: c.3044G>A on transcript NM_015311.3 (MANE Select); coding-DNA position 3044, G replaced by A.
Protein change: p.Arg1015Gln; replaces arginine 1015 with glutamine.
Molecular consequence: missense variant.
Genome position (GRCh38, 1-based): chr2:219,559,407, C>T on the plus strand (G>A on the coding strand, the complement: OBSL1 is on the minus strand). VCF-style: chr2-219559407-C-T. GRCh37 (hg19) VCF-style: chr2-220424129-C-T.
Other names: c.3044G>A, p.Arg1015Gln (NM_001173431.2); c.3044G>A (NM_015311.2); short protein forms R1015Q.
Identifiers: ClinVar variation 1367741 (VCV001367741.7), dbSNP rs200288470, ClinGen allele CA2130984.

ClinVar aggregate classification (germline): Uncertain significance. Review status: criteria provided, multiple submitters, no conflicts (2 of 4 stars). 2 submissions from 2 submitters: Uncertain significance (2). Last evaluated 2025-08-20.

Conditions:
Inborn genetic diseases. Identifiers: MedGen C0950123, MeSH D030342.

Allele frequency attached by ClinVar (database versions not stated): gnomAD 0.00002; ESP Exome Variant Server 0.00008; TOPMed 0.00008; 1000 Genomes Project 30x 0.00016; 1000 Genomes Project 0.00020.
gnomAD v4.1: 83 of 1,613,912 alleles (0.0051%); highest among the groups gnomAD compares: Admixed American, 0.053%; no homozygotes.

Submissions (2):

Labcorp Genetics (formerly Invitae), Labcorp
Classification: Uncertain significance. Last evaluated: 2025-08-20. Review status: criteria provided, single submitter. Criteria: Invitae Variant Classification Sherloc (09022015). Collection method: clinical testing. Allele origin: germline.
Comment: This sequence change replaces arginine, which is basic and polar, with glutamine, which is neutral and polar, at codon 1015 of the OBSL1 protein (p.Arg1015Gln). This variant is present in population databases (rs200288470, gnomAD 0.06%). This variant has not been reported in the literature in individuals affected with OBSL1-related conditions. ClinVar contains an entry for this variant (Variation ID: 1367741). An algorithm developed to predict the effect of missense changes on protein structure and function outputs the following: PolyPhen-2: "Benign". The glutamine amino acid residue is found in multiple mammalian species, which suggests that this missense change does not adversely affect protein function. In summary, the available evidence is currently insufficient to determine the role of this variant in disease. Therefore, it has been classified as a Variant of Uncertain Significance.

Ambry Genetics
Classification: Uncertain significance for Inborn genetic diseases. Last evaluated: 2021-08-23. Review status: criteria provided, single submitter. Criteria: Ambry Variant Classification Scheme 2023. Collection method: clinical testing. Allele origin: germline.